The following is an entry in ClinVar:

NM_001384140.1(PCDH15):c.91+289G>A

Gene: PCDH15 (protocadherin related 15; minus strand). Cytogenetic location: 10q21.1.
Variant type: single nucleotide variant.
Coding change: c.91+289G>A on transcript NM_001384140.1 (MANE Select); 289 bases into the intron after coding-DNA position 91, G replaced by A.
Molecular consequence: intron variant.
Genome position (GRCh38, 1-based): chr10:54,663,883, C>T on the plus strand (G>A on the coding strand, the complement: PCDH15 is on the minus strand). VCF-style: chr10-54663883-C-T. GRCh37 (hg19) VCF-style: chr10-56423643-C-T.
Other names: c.91+289G>A (NM_001142772.2, NM_001142771.2, NM_001142770.3 and 14 more transcripts).
Identifiers: ClinVar variation 667933 (VCV000667933.1), dbSNP rs55688625, ClinGen allele CA207620731.

ClinVar aggregate classification (germline): Benign (1 of 4 stars; one submission).

Allele frequency attached by ClinVar (database versions not stated): gnomAD 0.06320 and 0.06666; TOPMed 0.06345; 1000 Genomes Project 0.09125; 1000 Genomes Project 30x 0.08682.
gnomAD v4.1: 10,081 of 151,592 alleles (6.7%); highest among the groups gnomAD compares: East Asian, 15%; 413 homozygotes.

Submission:

GeneDx
Classification: Benign. Last evaluated: 2018-06-14. Review status: criteria provided, single submitter. Criteria: GeneDx Variant Classification (06012015). Collection method: clinical testing. Allele origin: germline. Affected: yes.
Comment: This variant is considered likely benign or benign based on one or more of the following criteria: it is a conservative change, it occurs at a poorly conserved position in the protein, it is predicted to be benign by multiple in silico algorithms, and/or has population frequency not consistent with disease.